The following is an entry in ClinVar:

ClinVar aggregate classification (germline): Conflicting classifications of pathogenicity. Review status: criteria provided, conflicting classifications (1 of 4 stars). 4 submissions from 4 submitters: Uncertain significance (3); Likely benign (1). Last evaluated 2025-07-27.

Conditions:
Cardiovascular phenotype. Identifiers: MedGen CN230736.
Arrhythmogenic cardiomyopathy with wooly hair and keratoderma. Also called: Dilated cardiomyopathy with woolly hair and keratoderma; Arrhythmogenic cardiomyopathy with woolly hair and keratoderma; Carvajal syndrome; PALMOPLANTAR KERATODERMA WITH LEFT VENTRICULAR CARDIOMYOPATHY AND WOOLLY HAIR. Identifiers: Orphanet 65282, MedGen C1854063, MONDO:0011581, OMIM 605676.
Arrhythmogenic right ventricular dysplasia 8 (ARVD8). Also called: Arrhythmogenic Right Ventricular Dysplasia/Cardiomyopathy 8; ARRHYTHMOGENIC RIGHT VENTRICULAR DYSPLASIA, FAMILIAL, 8; ARRHYTHMOGENIC RIGHT VENTRICULAR CARDIOMYOPATHY 8. Identifiers: MedGen C1843896, MONDO:0011831, OMIM 607450.

Allele frequency attached by ClinVar (database versions not stated): gnomAD 0.00001; TOPMed 0.00001.
gnomAD v4.1: 5 of 1,614,010 alleles (0.00031%); highest among the groups gnomAD compares: East Asian, 0.0045%; no homozygotes.

Submissions (4):

Labcorp Genetics (formerly Invitae), Labcorp
Classification: Likely benign for Arrhythmogenic cardiomyopathy with wooly hair and keratoderma; Arrhythmogenic right ventricular dysplasia 8. Last evaluated: 2025-07-27. Review status: criteria provided, single submitter. Criteria: Invitae Variant Classification Sherloc (09022015). Collection method: clinical testing. Allele origin: germline.

GeneDx
Classification: Uncertain significance. Last evaluated: 2024-11-22. Review status: criteria provided, single submitter. Criteria: GeneDx Variant Classification Process June 2021. Collection method: clinical testing. Allele origin: germline. Affected: yes.
Comment: Not observed at significant frequency in large population cohorts (gnomAD); In silico analysis indicates that this missense variant does not alter protein structure/function; Has not been previously published as pathogenic or benign to our knowledge

All of Us Research Program, National Institutes of Health
Classification: Uncertain significance for Arrhythmogenic cardiomyopathy with wooly hair and keratoderma. Last evaluated: 2024-01-11. Review status: criteria provided, single submitter. Criteria: ACMG Guidelines, 2015. Collection method: clinical testing. Allele origin: germline. Inheritance: Autosomal dominant inheritance. Observed: 3 variant alleles, 3 heterozygotes.
Comment: This missense variant replaces aspartic acid with asparagine at codon 910 of the DSP protein. Computational prediction suggests that this variant may not impact protein structure and function (internally defined REVEL score threshold <= 0.5, PMID: 27666373). To our knowledge, functional studies have not been reported for this variant. This variant has not been reported in individuals affected with DSP-related disorders in the literature. This variant has been identified in 2/251334 chromosomes in the general population by the Genome Aggregation Database (gnomAD). The available evidence is insufficient to determine the role of this variant in disease conclusively. Therefore, this variant is classified as a Variant of Uncertain Significance.

This study involves interpretation of variants in research participants for the purpose of population health screening. Participant phenotype was not available at the time of variant classification. Additional details can be found in publication PMID: 35346344, PMCID: PMC8962531

Ambry Genetics
Classification: Uncertain significance for Cardiovascular phenotype. Last evaluated: 2023-01-20. Review status: criteria provided, single submitter. Criteria: Ambry Variant Classification Scheme 2023. Collection method: clinical testing. Allele origin: germline.
Comment: The p.D910N variant (also known as c.2728G>A), located in coding exon 19 of the DSP gene, results from a G to A substitution at nucleotide position 2728. The aspartic acid at codon 910 is replaced by asparagine, an amino acid with highly similar properties. This amino acid position is conserved. In addition, this alteration is predicted to be tolerated by in silico analysis. Since supporting evidence is limited at this time, the clinical significance of this alteration remains unclear.

NM_004415.4(DSP):c.2728G>A (p.Asp910Asn)

Gene: DSP (desmoplakin; plus strand). Cytogenetic location: 6p24.3.
Variant type: single nucleotide variant.
Coding change: c.2728G>A on transcript NM_004415.4 (MANE Select); coding-DNA position 2728, G replaced by A.
Protein change: p.Asp910Asn; replaces aspartic acid 910 with asparagine.
Molecular consequence: missense variant.
Genome position (GRCh38, 1-based): chr6:7,576,391, G>A. VCF-style: chr6-7576391-G-A. GRCh37 (hg19) VCF-style: chr6-7576624-G-A.
Other names: c.2728G>A, p.Asp910Asn (NM_001008844.3, NM_001319034.2); short protein forms D910N.
Identifiers: ClinVar variation 846764 (VCV000846764.13), dbSNP rs775080138, ClinGen allele CA133964123.
Genomic context (GRCh38, chr6:7,576,391, plus strand): 5'-AATTATCGTGATAACTATCAGGCTTTCTGCAAGTGGCTCTATGATGCTAAACGCCGCCAG[G>A]ATTCCTTAGAATCCATGAAATTTGGAGATTCCAACACAGTCATGCGGTTTTTGAATGAGC-3'
Protein context (NP_004406.2, residues 900-920): KWLYDAKRRQ[Asp910Asn]SLESMKFGDS